The following is an entry in ClinVar:

NM_000059.4(BRCA2):c.8332-483G>T

Gene: BRCA2 (BRCA2 DNA repair associated; plus strand). Cytogenetic location: 13q13.1.
Variant type: single nucleotide variant.
Coding change: c.8332-483G>T on transcript NM_000059.4 (MANE Select); 483 bases into the intron before coding-DNA position 8332, G replaced by T.
Molecular consequence: intron variant.
Genome position (GRCh38, 1-based): chr13:32,369,919, G>T. VCF-style: chr13-32369919-G-T. GRCh37 (hg19) VCF-style: chr13-32944056-G-T.
Other names: IVS 18-483G>T.
Identifiers: ClinVar variation 209812 (VCV000209812.1), dbSNP rs9634672, ClinGen allele CA276780.

ClinVar aggregate classification (germline): Benign (3 of 4 stars; one submission).

Conditions:
Breast-ovarian cancer, familial, susceptibility to, 2 (BROVCA2). Also called: BRCA2 Hereditary Breast and Ovarian Cancer. Identifiers: Orphanet 145, MedGen C2675520, MONDO:0012933, OMIM 612555. Disease mechanism: loss of function.

Allele frequency attached by ClinVar (database versions not stated): TOPMed 0.21331; gnomAD 0.21518; 1000 Genomes Project 30x 0.22002; 1000 Genomes Project 0.22584.
gnomAD v4.1: 33,007 of 152,134 alleles (22%); highest among the groups gnomAD compares: East Asian, 39%; 3,698 homozygotes.

Submission:

Evidence-based Network for the Interpretation of Germline Mutant Alleles (ENIGMA)
Classification: Benign for Breast-ovarian cancer, familial 2. Last evaluated: 2015-01-12. Review status: reviewed by expert panel. Criteria: ENIGMA BRCA1/2 Classification Criteria (2015). Collection method: curation. Allele origin: germline.
Comment: Class 1 not pathogenic based on frequency >1% in an outbred sampleset. Frequency 0.3811 (Asian), 0.1402 (African), 0.2177 (European), derived from 1000 genomes (2012-04-30).